The following is an entry in ClinVar:

NM_024422.6(DSC2):c.2003T>C (p.Leu668Pro)

Gene: DSC2 (desmocollin 2; minus strand). Cytogenetic location: 18q12.1.
Variant type: single nucleotide variant.
Coding change: c.2003T>C on transcript NM_024422.6 (MANE Select); coding-DNA position 2003, T replaced by C.
Protein change: p.Leu668Pro; replaces leucine 668 with proline.
Molecular consequence: missense variant.
Genome position (GRCh38, 1-based): chr18:31,071,727, A>G on the plus strand (T>C on the coding strand, the complement: DSC2 is on the minus strand). VCF-style: chr18-31071727-A-G. GRCh37 (hg19) VCF-style: chr18-28651693-A-G.
Other names: c.2003T>C, p.Leu668Pro (NM_004949.5); short protein forms L668P.
Identifiers: ClinVar variation 926794 (VCV000926794.4), dbSNP rs1432852100, ClinGen allele CA402113184.

ClinVar aggregate classification (germline): Uncertain significance (1 of 4 stars; one submission).

Conditions:
Cardiomyopathy (CMYO). Also called: Cardiomyopathies. Identifiers: Orphanet 167848, MedGen C0878544, MONDO:0004994, HP:0001638. Inheritance: Various modes of inheritance.

gnomAD v4.1: 2 of 1,613,944 alleles (0.00012%); highest among the groups gnomAD compares: Non-Finnish European, 0.00017%; no homozygotes.

Submission:

Color Diagnostics, LLC DBA Color Health
Classification: Uncertain significance for Cardiomyopathy. Last evaluated: 2024-03-06. Review status: criteria provided, single submitter. Criteria: ACMG Guidelines, 2015. Collection method: clinical testing. Allele origin: germline.
Comment: This missense variant replaces leucine with proline at codon 668 of the DSC2 protein. Computational prediction suggests that this variant may not impact protein structure and function (internally defined REVEL score threshold <= 0.5, PMID: 27666373). Splice site prediction tools suggest that this variant may not impact RNA splicing. To our knowledge, functional studies have not been performed for this variant. This variant has not been reported in individuals affected with cardiovascular disorders in the literature. This variant has been identified in 1/31406 chromosomes in the general population by the Genome Aggregation Database (gnomAD). The available evidence is insufficient to determine the role of this variant in disease conclusively. Therefore, this variant is classified as a Variant of Uncertain Significance.